The following is an entry in ClinVar:

NM_001040108.2(MLH3):c.1148C>T (p.Thr383Ile)

Gene: MLH3 (mutL homolog 3; minus strand). Cytogenetic location: 14q24.3.
Variant type: single nucleotide variant.
Coding change: c.1148C>T on transcript NM_001040108.2 (MANE Select); coding-DNA position 1148, C replaced by T.
Protein change: p.Thr383Ile; replaces threonine 383 with isoleucine.
Molecular consequence: missense variant.
Genome position (GRCh38, 1-based): chr14:75,048,508, G>A on the plus strand (C>T on the coding strand, the complement: MLH3 is on the minus strand). VCF-style: chr14-75048508-G-A. GRCh37 (hg19) VCF-style: chr14-75515211-G-A.
Other names: c.1148C>T, p.Thr383Ile (NM_014381.3); short protein forms T383I.
Identifiers: ClinVar variation 837581 (VCV000837581.15), dbSNP rs1476030225, ClinGen allele CA390447274.

ClinVar aggregate classification (germline): Uncertain significance. Review status: criteria provided, multiple submitters, no conflicts (2 of 4 stars). 3 submissions from 3 submitters: Uncertain significance (3). Last evaluated 2025-08-07.

Conditions:
Endometrial carcinoma. Also called: Endometrial carcinoma, somatic. Identifiers: MedGen C0476089, MONDO:0002447, OMIM 608089, HP:0012114.
Colorectal cancer, hereditary nonpolyposis, type 7. Identifiers: Orphanet 144, MedGen C1858380, MONDO:0013725, OMIM 614385.
Colorectal cancer. Also called: Malignant Colorectal Neoplasm; Colorectal cancer, somatic. Identifiers: MedGen C0346629, MONDO:0005575, OMIM 114500.

Allele frequency attached by ClinVar (database versions not stated): gnomAD exomes 0.00001; TOPMed 0.00001.
gnomAD v4.1: 20 of 1,613,342 alleles (0.0012%); highest among the groups gnomAD compares: Non-Finnish European, 0.001%; no homozygotes.

Submissions (3):

Ambry Genetics
Classification: Uncertain significance. Last evaluated: 2025-08-07. Review status: criteria provided, single submitter. Criteria: Ambry Variant Classification Scheme 2023. Collection method: clinical testing. Allele origin: germline.

Fulgent Genetics
Classification: Uncertain significance for Colorectal cancer; Endometrial carcinoma; Colorectal cancer, hereditary nonpolyposis, type 7. Last evaluated: 2024-02-28. Review status: criteria provided, single submitter. Criteria: ACMG Guidelines, 2015. Collection method: clinical testing. Allele origin: germline.

Labcorp Genetics (formerly Invitae), Labcorp
Classification: Uncertain significance for Colorectal cancer, hereditary nonpolyposis, type 7. Last evaluated: 2024-01-04. Review status: criteria provided, single submitter. Criteria: Invitae Variant Classification Sherloc (09022015). Collection method: clinical testing. Allele origin: germline.
Comment: This sequence change replaces threonine, which is neutral and polar, with isoleucine, which is neutral and non-polar, at codon 383 of the MLH3 protein (p.Thr383Ile). This variant is present in population databases (no rsID available, gnomAD 0.01%). This variant has not been reported in the literature in individuals affected with MLH3-related conditions. ClinVar contains an entry for this variant (Variation ID: 837581). An algorithm developed to predict the effect of missense changes on protein structure and function (PolyPhen-2) suggests that this variant is likely to be tolerated. In summary, the available evidence is currently insufficient to determine the role of this variant in disease. Therefore, it has been classified as a Variant of Uncertain Significance.